The following is an entry in ClinVar:

ClinVar aggregate classification (germline): Likely benign (1 of 4 stars; one submission).

Allele frequency attached by ClinVar (database versions not stated): gnomAD exomes below 0.00001 and 0.00001; ExAC 0.00001; gnomAD 0.00001 and 0.00002; TOPMed 0.00001; 1000 Genomes Project 0.00020; 1000 Genomes Project 30x 0.00031.
gnomAD v4.1: 12 of 1,416,016 alleles (0.00085%); highest among the groups gnomAD compares: East Asian, 0.007%; no homozygotes.

Submission:

GeneDx
Classification: Likely benign. Last evaluated: 2016-09-28. Review status: criteria provided, single submitter. Criteria: GeneDx Variant Classification (06012015). Collection method: clinical testing. Allele origin: germline. Affected: yes.
Comment: This variant is considered likely benign or benign based on one or more of the following criteria: it is a conservative change, it occurs at a poorly conserved position in the protein, it is predicted to be benign by multiple in silico algorithms, and/or has population frequency not consistent with disease.

NM_001364905.1(LRBA):c.2166-10A>G

Gene: LRBA (LPS responsive beige-like anchor protein; minus strand). Cytogenetic location: 4q31.3.
Variant type: single nucleotide variant.
Coding change: c.2166-10A>G on transcript NM_001364905.1 (MANE Select); 10 bases into the intron before coding-DNA position 2166, A replaced by G.
Molecular consequence: intron variant.
Genome position (GRCh38, 1-based): chr4:150,872,765, T>C on the plus strand (A>G on the coding strand, the complement: LRBA is on the minus strand). VCF-style: chr4-150872765-T-C. GRCh37 (hg19) VCF-style: chr4-151793917-T-C.
Other names: c.2166-10A>G (NM_001367550.1, NM_006726.5, NM_001199282.3 and 2 more transcripts).
Identifiers: ClinVar variation 389282 (VCV000389282.1), dbSNP rs200281652, ClinGen allele CA3103338.